The following is an entry in ClinVar:

NM_024422.6(DSC2):c.1973T>C (p.Met658Thr)

Gene: DSC2 (desmocollin 2; minus strand). Cytogenetic location: 18q12.1.
Variant type: single nucleotide variant.
Coding change: c.1973T>C on transcript NM_024422.6 (MANE Select); coding-DNA position 1973, T replaced by C.
Protein change: p.Met658Thr; replaces methionine 658 with threonine.
Molecular consequence: missense variant.
Genome position (GRCh38, 1-based): chr18:31,071,757, A>G on the plus strand (T>C on the coding strand, the complement: DSC2 is on the minus strand). VCF-style: chr18-31071757-A-G. GRCh37 (hg19) VCF-style: chr18-28651723-A-G.
Other names: c.1544T>C, p.Met515Thr (NM_001406506.1, NM_001406507.1); c.1973T>C, p.Met658Thr (NM_004949.5); short protein forms M515T, M658T.
Identifiers: ClinVar variation 4758884 (VCV004758884.1).

ClinVar aggregate classification (germline): Uncertain significance (1 of 4 stars; one submission).

Conditions:
Cardiomyopathy (CMYO). Also called: Cardiomyopathies. Identifiers: Orphanet 167848, MedGen C0878544, MONDO:0004994, HP:0001638. Inheritance: Various modes of inheritance.

gnomAD v4.1: 1 of 1,613,890 alleles (0.000062%); highest among the groups gnomAD compares: Non-Finnish European, 0.000085%; no homozygotes.

Submission:

Color Diagnostics, LLC DBA Color Health
Classification: Uncertain significance for Cardiomyopathy. Last evaluated: 2025-07-14. Review status: criteria provided, single submitter. Criteria: ACMG Guidelines, 2015. Collection method: clinical testing. Allele origin: germline.
Comment: This missense variant replaces methionine with threonine at codon 658 of the DSC2 protein. Computational prediction suggests that this variant may not impact protein structure and function. To our knowledge, functional studies have not been reported for this variant. This variant has not been reported in individuals affected with DSC2-related disorders in the literature. This variant has been identified in 1/250490 chromosomes in the general population by the Genome Aggregation Database (gnomAD). The available evidence is insufficient to determine the role of this variant in disease conclusively. Therefore, this variant is classified as a Variant of Uncertain Significance.